The following continues an entry in ClinVar:

NM_007294.4(BRCA1):c.1259A>G (p.Asp420Gly)

Gene: BRCA1. ClinVar aggregate classification (germline): Conflicting classifications of pathogenicity. Uncertain significance (8); Benign (1); Likely benign (3).

Submissions 9 to 13 of 13:

University of Washington Department of Laboratory Medicine, University of Washington
Classification: Likely benign for Hereditary cancer-predisposing syndrome. Last evaluated: 2023-03-23. Review status: criteria provided, single submitter. Criteria: Dines et al. (Genet Med. 2020). Collection method: curation. Allele origin: germline.
Comment: Missense variant in a coldspot region where missense variants are very unlikely to be pathogenic (PMID:31911673).

BRCA1 coldspot (exon 11 using historical exon numbering). Reclassification based on statistical prior probability

Department of Pathology and Laboratory Medicine, Sinai Health System
Classification: Uncertain significance for Familial cancer of breast; Breast-ovarian cancer, familial, susceptibility to, 1; Fanconi anemia, complementation group S. Last evaluated: 2021-09-29. Review status: criteria provided, single submitter. Criteria: ACMG Guidelines, 2015. Collection method: clinical testing. Allele origin: germline. Affected: yes.

ARUP Laboratories, Molecular Genetics and Genomics, ARUP Laboratories
Classification: Uncertain significance. Last evaluated: 2021-08-14. Review status: criteria provided, single submitter. Criteria: ARUP Molecular Germline Variant Investigation Process 2021. Collection method: clinical testing. Allele origin: germline.
Comment: The BRCA1 c.1259A>G; p.Asp420Gly variant (rs730881442) is reported in the literature in an individual affected with breast cancer, although its clinical significance was considered uncertain (Chen 2020). This variant is found on a single chromosome in the Genome Aggregation Database (1/250816 alleles), indicating it is not a common polymorphism. The aspartate at codon 420 is highly conserved, but computational analyses are uncertain whether this variant is neutral or deleterious (REVEL: 0.586). Due to limited information, the clinical significance of the p.Asp420Gly variant is uncertain at this time. References: Chen Q et al. BRCA1 Deficiency Impairs Mitophagy and Promotes Inflammasome Activation and Mammary Tumor Metastasis. Adv Sci (Weinh). 2020 Feb 14;7(6):1903616. PMID: 32195105.

Fulgent Genetics
Classification: Uncertain significance for Familial cancer of breast; Breast-ovarian cancer, familial, susceptibility to, 1; Pancreatic cancer, susceptibility to, 4. Last evaluated: 2017-05-23. Review status: criteria provided, single submitter. Criteria: ACMG Guidelines, 2015. Collection method: clinical testing. Allele origin: unknown.

Counsyl
Classification: Uncertain significance for Breast-ovarian cancer, familial, susceptibility to, 1. Last evaluated: 2015-12-16. Review status: no assertion criteria provided. Collection method: clinical testing. Allele origin: unknown. Not counted in ClinVar's aggregate classification.

Literature cited by the submitters: PubMed 20960228 (cited by 3 submitters); PubMed 32195105 (cited by Women's Health and Genetics/Laboratory Corporation of America, LabCorp and Department of Pathology and Laboratory Medicine, Sinai Health System); PubMed 36969007 (cited by Women's Health and Genetics/Laboratory Corporation of America, LabCorp); PubMed 32980694 (cited by 3 submitters); PubMed 33471991 (cited by Quest Diagnostics Nichols Institute San Juan Capistrano); PubMed 32438681 (cited by Quest Diagnostics Nichols Institute San Juan Capistrano and Ambry Genetics); PubMed 31911673 (cited by Quest Diagnostics Nichols Institute San Juan Capistrano and Mayo Clinic Laboratories, Mayo Clinic); PubMed 31853058 (cited by Mayo Clinic Laboratories, Mayo Clinic).